The following is an entry in ClinVar:

NM_000064.4(C3):c.1492G>C (p.Gly498Arg)

Gene: C3 (complement C3; minus strand). Cytogenetic location: 19p13.3.
Variant type: single nucleotide variant.
Coding change: c.1492G>C on transcript NM_000064.4 (MANE Select); coding-DNA position 1492, G replaced by C.
Protein change: p.Gly498Arg; replaces glycine 498 with arginine.
Molecular consequence: missense variant.
Genome position (GRCh38, 1-based): chr19:6,710,833, C>G on the plus strand (G>C on the coding strand, the complement: C3 is on the minus strand). VCF-style: chr19-6710833-C-G. GRCh37 (hg19) VCF-style: chr19-6710844-C-G.
Other names: short protein forms G498R.
Identifiers: ClinVar variation 1476394 (VCV001476394.8), dbSNP rs746892902, ClinGen allele CA9129421.

ClinVar aggregate classification (germline): Uncertain significance (1 of 4 stars; one submission).

Allele frequency attached by ClinVar (database versions not stated): TOPMed below 0.00001; ExAC 0.00001; gnomAD 0.00001.
gnomAD v4.1: 2 of 1,613,698 alleles (0.00012%); highest among the groups gnomAD compares: Non-Finnish European, 0.00017%; no homozygotes.

Submission:

Labcorp Genetics (formerly Invitae), Labcorp
Classification: Uncertain significance. Last evaluated: 2022-02-05. Review status: criteria provided, single submitter. Criteria: Invitae Variant Classification Sherloc (09022015). Collection method: clinical testing. Allele origin: germline.
Comment: In summary, the available evidence is currently insufficient to determine the role of this variant in disease. Therefore, it has been classified as a Variant of Uncertain Significance. Algorithms developed to predict the effect of missense changes on protein structure and function (SIFT, PolyPhen-2, Align-GVGD) all suggest that this variant is likely to be disruptive. This variant has not been reported in the literature in individuals affected with C3-related conditions. This variant is present in population databases (rs746892902, gnomAD 0.0009%). This sequence change replaces glycine, which is neutral and non-polar, with arginine, which is basic and polar, at codon 498 of the C3 protein (p.Gly498Arg).